The following is an entry in ClinVar:

ClinVar aggregate classification (germline): Benign/Likely benign. Review status: criteria provided, multiple submitters, no conflicts (2 of 4 stars). 3 submissions from 3 submitters: Benign (1); Likely benign (1). 1 of the submissions does not count toward it. Last evaluated 2025-12-08.

Conditions:
GPC3-related disorder. Also called: GPC3-related condition.
Wilms tumor 1 (WT1). Also called: Wilms tumor, somatic. Identifiers: Orphanet 654, MedGen CN033288, MONDO:0008679, OMIM 194070.

Allele frequency attached by ClinVar (database versions not stated): gnomAD exomes 0.00001 and 0.00004; TOPMed 0.00002; ExAC 0.00003; gnomAD 0.00004.
gnomAD v4.1: 17 of 1,200,428 alleles (0.0014%); highest among the groups gnomAD compares: African/African-American, 0.0071%; no homozygotes.

Submissions (3):

Labcorp Genetics (formerly Invitae), Labcorp
Classification: Benign for Wilms tumor 1. Last evaluated: 2025-12-08. Review status: criteria provided, single submitter. Criteria: Invitae Variant Classification Sherloc (09022015). Collection method: clinical testing. Allele origin: germline.

Blueprint Genetics
Classification: Likely benign. Last evaluated: 2024-04-24. Review status: criteria provided, single submitter. Criteria: ACMG Guidelines, 2015. Collection method: clinical testing. Allele origin: germline.

PreventionGenetics, part of Exact Sciences
Classification: Likely benign for GPC3-related condition. Last evaluated: 2019-03-04. Review status: no assertion criteria provided. Collection method: clinical testing. Allele origin: germline. Not counted in ClinVar's aggregate classification.
Comment: This variant is classified as likely benign based on ACMG/AMP sequence variant interpretation guidelines (Richards et al. 2015 PMID: 25741868, with internal and published modifications).

NM_004484.4(GPC3):c.1632G>A (p.Pro544=)

Gene: GPC3 (glypican 3; minus strand). Cytogenetic location: Xq26.2.
Variant type: single nucleotide variant.
Coding change: c.1632G>A on transcript NM_004484.4 (MANE Select); coding-DNA position 1632, G replaced by A.
Protein change: p.Pro544=; no amino-acid change (proline 544 retained).
Molecular consequence: synonymous variant.
Genome position (GRCh38, 1-based): chrX:133,536,235, C>T on the plus strand (G>A on the coding strand, the complement: GPC3 is on the minus strand). VCF-style: chrX-133536235-C-T. GRCh37 (hg19) VCF-style: chrX-132670263-C-T.
Other names: c.1701G>A, p.Pro567= (NM_001164617.2); c.1584G>A, p.Pro528= (NM_001164618.2); c.1470G>A, p.Pro490= (NM_001164619.2).
Identifiers: ClinVar variation 415273 (VCV000415273.15), dbSNP rs766482434, ClinGen allele CA10520638.
Genomic context (GRCh38, chrX:133,536,235, plus strand): 5'-AAGCTTCAGCGGGGAATGAACGTTCCCGAGGTTGTGAAAGGTGCTTATCTCGTTGTCCTT[C>T]GGAGTTGCCTGCTGACTGTTTCCAGGCGCATCATCCACATCCAGATCATAGGCCAGTTCT-3'
Protein context (NP_004475.1, residues 534-554): DAPGNSQQAT[Pro544=]KDNEISTFHN